The following is an entry in ClinVar:

ClinVar aggregate classification (germline): Uncertain significance (1 of 4 stars; one submission).

Conditions:
Epidermolysis bullosa simplex 5B, with muscular dystrophy (EBS5B). Also called: EPIDERMOLYSIS BULLOSA SIMPLEX AND LIMB-GIRDLE MUSCULAR DYSTROPHY; Epidermolysis bullosa simplex with muscular dystrophy. Identifiers: Orphanet 257, MedGen C2931072, MONDO:0009181, OMIM 226670.
Epidermolysis bullosa simplex, Ogna type (EBS5A). Also called: Pidermolysis bullosa simplex 5A, Ogna type; EPIDERMOLYSIS BULLOSA SIMPLEX 5A, OGNA TYPE. Identifiers: Orphanet 79401, MedGen C0432317, MONDO:0007555, OMIM 131950.
Epidermolysis bullosa simplex 5C, with pyloric atresia (EBS5C). Also called: Epidermolysis bullosa simplex with pyloric atresia; PLEC-Related Epidermolysis Bullosa with Pyloric Atresia; PLEC1-Related Epidermolysis Bullosa with Pyloric Atresia. Identifiers: Orphanet 158684, MedGen C2677349, MONDO:0012807, OMIM 612138.
Autosomal recessive limb-girdle muscular dystrophy type 2Q (LGMDR17). Also called: MUSCULAR DYSTROPHY, LIMB-GIRDLE, AUTOSOMAL RECESSIVE 17. Identifiers: Orphanet 254361, MedGen C3150989, MONDO:0013390, OMIM 613723.
Epidermolysis bullosa simplex with nail dystrophy (EBS5D). Identifiers: MedGen C4225309, MONDO:0014661, OMIM 616487.

gnomAD v4.1: 5 of 1,579,044 alleles (0.00032%); highest among the groups gnomAD compares: African/African-American, 0.004%; no homozygotes.

Submission:

Labcorp Genetics (formerly Invitae), Labcorp
Classification: Uncertain significance for Autosomal recessive limb-girdle muscular dystrophy type 2Q; Epidermolysis bullosa simplex, Ogna type; Epidermolysis bullosa simplex with nail dystrophy; Epidermolysis bullosa simplex 5C, with pyloric atresia; Epidermolysis bullosa simplex 5B, with muscular dystrophy. Last evaluated: 2026-01-21. Review status: criteria provided, single submitter. Criteria: Invitae Variant Classification Sherloc (09022015). Collection method: clinical testing. Allele origin: germline.
Comment: This sequence change replaces glutamine, which is neutral and polar, with arginine, which is basic and polar, at codon 3852 of the PLEC protein (p.Gln3852Arg). The frequency data for this variant in the population databases is considered unreliable, as metrics indicate poor data quality at this position in the gnomAD database. This variant has not been reported in the literature in individuals affected with PLEC-related conditions. An algorithm developed to predict the effect of missense changes on protein structure and function (PolyPhen-2) suggests that this variant is likely to be disruptive. In summary, the available evidence is currently insufficient to determine the role of this variant in disease. Therefore, it has been classified as a Variant of Uncertain Significance.

NM_201384.3(PLEC):c.11474A>G (p.Gln3825Arg)

Gene: PLEC (plectin; minus strand). Cytogenetic location: 8q24.3.
Variant type: single nucleotide variant.
Coding change: c.11474A>G on transcript NM_201384.3 (MANE Select); coding-DNA position 11474, A replaced by G.
Protein change: p.Gln3825Arg; replaces glutamine 3825 with arginine.
Molecular consequence: missense variant.
Genome position (GRCh38, 1-based): chr8:143,918,347, T>C on the plus strand (A>G on the coding strand, the complement: PLEC is on the minus strand). VCF-style: chr8-143918347-T-C. GRCh37 (hg19) VCF-style: chr8-144992515-T-C.
Other names: c.11885A>G, p.Gln3962Arg (NM_201380.4); c.11378A>G, p.Gln3793Arg (NM_201381.3); c.11474A>G, p.Gln3825Arg (NM_201382.4); c.11486A>G, p.Gln3829Arg (NM_201383.3); c.11555A>G, p.Gln3852Arg (NM_000445.5); c.8174A>G, p.Gln2725Arg (NM_001410941.1); c.11432A>G, p.Gln3811Arg (NM_201378.4); c.11408A>G, p.Gln3803Arg (NM_201379.3); short protein forms Q3962R, Q3803R, Q3811R, Q3825R, Q3852R, Q2725R, Q3793R, Q3829R.
Identifiers: ClinVar variation 4794262 (VCV004794262.1).